The following is an entry in ClinVar:

NM_001363711.2(DUOX2):c.385C>T (p.Leu129Phe)

Gene: DUOX2 (dual oxidase 2; minus strand). Cytogenetic location: 15q21.1.
Variant type: single nucleotide variant.
Coding change: c.385C>T on transcript NM_001363711.2 (MANE Select); coding-DNA position 385, C replaced by T.
Protein change: p.Leu129Phe; replaces leucine 129 with phenylalanine.
Molecular consequence: missense variant.
Genome position (GRCh38, 1-based): chr15:45,111,896, G>A on the plus strand (C>T on the coding strand, the complement: DUOX2 is on the minus strand). VCF-style: chr15-45111896-G-A. GRCh37 (hg19) VCF-style: chr15-45404094-G-A.
Other names: c.385C>T, p.Leu129Phe (NM_014080.5); short protein forms L129F.
Identifiers: ClinVar variation 1015980 (VCV001015980.6), dbSNP rs201139674, ClinGen allele CA7538970.

ClinVar aggregate classification (germline): Uncertain significance (1 of 4 stars; one submission).

Allele frequency attached by ClinVar (database versions not stated): gnomAD 0.00001 and 0.00003; TOPMed 0.00003; gnomAD exomes 0.00004 and 0.00006; ExAC 0.00005; 1000 Genomes Project 0.00020; 1000 Genomes Project 30x 0.00031.
gnomAD v4.1: 75 of 1,613,880 alleles (0.0046%); highest among the groups gnomAD compares: Middle Eastern, 0.033%; no homozygotes.

Submission:

Labcorp Genetics (formerly Invitae), Labcorp
Classification: Uncertain significance. Last evaluated: 2025-12-08. Review status: criteria provided, single submitter. Criteria: Invitae Variant Classification Sherloc (09022015). Collection method: clinical testing. Allele origin: germline.
Comment: This sequence change replaces leucine, which is neutral and non-polar, with phenylalanine, which is neutral and non-polar, at codon 129 of the DUOX2 protein (p.Leu129Phe). This variant is present in population databases (rs201139674, gnomAD 0.01%). This missense change has been observed in individual(s) with primary congenital hypothyroidism and inflammatory bowel disease (PMID: 31044655, 33651715). ClinVar contains an entry for this variant (Variation ID: 1015980). Invitae Evidence Modeling of protein sequence and biophysical properties (such as structural, functional, and spatial information, amino acid conservation, physicochemical variation, residue mobility, and thermodynamic stability) indicates that this missense variant is not expected to disrupt DUOX2 protein function with a negative predictive value of 80%. In summary, the available evidence is currently insufficient to determine the role of this variant in disease. Therefore, it has been classified as a Variant of Uncertain Significance.

Literature cited by the submitters: PubMed 31044655; PubMed 33651715.